The following is an entry in ClinVar:

NM_016239.4(MYO15A):c.3620T>C (p.Ile1207Thr)

Gene: MYO15A (myosin XVA; plus strand). Cytogenetic location: 17p11.2.
Variant type: single nucleotide variant.
Coding change: c.3620T>C on transcript NM_016239.4 (MANE Select); coding-DNA position 3620, T replaced by C.
Protein change: p.Ile1207Thr; replaces isoleucine 1207 with threonine.
Molecular consequence: missense variant.
Genome position (GRCh38, 1-based): chr17:18,124,493, T>C. VCF-style: chr17-18124493-T-C. GRCh37 (hg19) VCF-style: chr17-18027807-T-C.
Other names: short protein forms I1207T.
Identifiers: ClinVar variation 1301737 (VCV001301737.2), dbSNP rs1365097671, ClinGen allele CA398589014.

ClinVar aggregate classification (germline): Uncertain significance (1 of 4 stars; one submission).

Conditions:
Autosomal recessive nonsyndromic hearing loss 3. Also called: NEUROSENSORY NONSYNDROMIC RECESSIVE DEAFNESS 3. Identifiers: Orphanet 90636, MedGen C1838263, MONDO:0010860, OMIM 600316.

Allele frequency attached by ClinVar (database versions not stated): gnomAD exomes below 0.00001.
gnomAD v4.1: 6 of 1,612,148 alleles (0.00037%); highest among the groups gnomAD compares: Middle Eastern, 0.033%; no homozygotes.

Submission:

Dubai Health Genomic Medicine Center, Dubai Health
Classification: Uncertain significance for Autosomal recessive nonsyndromic hearing loss 3. Last evaluated: 2020-11-01. Review status: criteria provided, single submitter. Criteria: ACMG Guidelines, 2015. Collection method: clinical testing. Allele origin: germline. Affected: yes.
Comment: The p.Ile1207Thr missense variant in MYO15A has not been previously reported in affected individuals but was identified in 1/30574 South Asian alleles in the Genome Aggregation Database (gnomAD). Computational prediction tools and conservation analyses suggest an impact to the protein function though this information is not predictive enough to confirm pathogenicity. In summary additional information is needed to fully assess the clinical significance of this variant.